The following is an entry in ClinVar:

NM_000038.6(APC):c.689G>A (p.Arg230His)

Gene: APC (APC regulator of Wnt signaling pathway; plus strand). Cytogenetic location: 5q22.2.
Variant type: single nucleotide variant.
Coding change: c.689G>A on transcript NM_000038.6 (MANE Select); coding-DNA position 689, G replaced by A.
Protein change: p.Arg230His; replaces arginine 230 with histidine.
Molecular consequence: missense variant. On other transcripts: 5 prime UTR variant (1), intron variant (2).
Genome position (GRCh38, 1-based): chr5:112,792,489, G>A. VCF-style: chr5-112792489-G-A. GRCh37 (hg19) VCF-style: chr5-112128186-G-A.
Other names: c.689G>A, p.Arg230His (NM_001127510.3, NM_001354895.2, NM_001354896.2 and 1 more transcripts); c.719G>A, p.Arg240His (NM_001354897.2, NM_001354902.2); c.614G>A, p.Arg205His (NM_001354898.2, NM_001354904.2); c.512G>A, p.Arg171His (NM_001354900.2, NM_001354901.2, NM_001354905.2); c.-347G>A (NM_001354906.2); c.676-8790G>A (NM_001127511.3); c.646-8790G>A (NM_001354899.2); short protein forms R230H, R240H, R205H, R171H.
Identifiers: ClinVar variation 132732 (VCV000132732.27), dbSNP rs587780545, ClinGen allele CA012635.

ClinVar aggregate classification (germline): Conflicting classifications of pathogenicity. Review status: criteria provided, conflicting classifications (1 of 4 stars). 9 submissions from 9 submitters: Uncertain significance (8); Likely benign (1). Last evaluated 2026-01-13.

Conditions:
Familial adenomatous polyposis 1 (FAP1). Also called: FAMILIAL ADENOMATOUS POLYPOSIS 1, ATTENUATED; POLYPOSIS, ADENOMATOUS INTESTINAL. Identifiers: MedGen C2713442, MONDO:0021056, OMIM 175100. Disease mechanism: loss of function.
Classic or attenuated familial adenomatous polyposis. Identifiers: MedGen CN372698, MONDO:0021057.
Hereditary cancer-predisposing syndrome. Also called: Tumor predisposition; Hereditary neoplastic syndrome; Neoplastic Syndromes, Hereditary; Hereditary Cancer Syndrome. Identifiers: Orphanet 140162, MedGen C0027672, MeSH D009386, MONDO:0015356.

Allele frequency attached by ClinVar (database versions not stated): gnomAD 0.00002 and 0.00003; gnomAD exomes 0.00003 and 0.00004; TOPMed 0.00002; ExAC 0.00007.
gnomAD v4.1: 44 of 1,612,306 alleles (0.0027%); highest among the groups gnomAD compares: East Asian, 0.025%; no homozygotes.

Submissions (9):

Labcorp Genetics (formerly Invitae), Labcorp
Classification: Uncertain significance for Familial adenomatous polyposis 1. Last evaluated: 2026-01-13. Review status: criteria provided, single submitter. Criteria: Invitae Variant Classification Sherloc (09022015). Collection method: clinical testing. Allele origin: germline.
Comment: This sequence change replaces arginine, which is basic and polar, with histidine, which is basic and polar, at codon 230 of the APC protein (p.Arg230His). This variant is present in population databases (rs587780545, gnomAD 0.01%). This missense change has been observed in individual(s) with colon cancer and/or pancreatic cancer (PMID: 28125075, 32980694, 35189564). ClinVar contains an entry for this variant (Variation ID: 132732). Invitae Evidence Modeling of protein sequence and biophysical properties (such as structural, functional, and spatial information, amino acid conservation, physicochemical variation, residue mobility, and thermodynamic stability) indicates that this missense variant is not expected to disrupt APC protein function with a negative predictive value of 95%. In summary, the available evidence is currently insufficient to determine the role of this variant in disease. Therefore, it has been classified as a Variant of Uncertain Significance.

Quest Diagnostics Nichols Institute San Juan Capistrano
Classification: Uncertain significance. Last evaluated: 2025-06-09. Review status: criteria provided, single submitter. Criteria: Quest Diagnostics criteria. Collection method: clinical testing. Allele origin: unknown.
Comment: The APC c.689G>A (p.Arg230His) variant has been reported in individuals with diagnosed/suspected familial adenomatous polyposis (FAP) (PMID: 35189564 (2022)), colon cancer (PMID: 28125075 (2017)), and uterine carcinosarcoma (PMID: 29684080 (2018)). In a case-control study, this variant was identified in an individual with pancreatic cancer as well as in multiple reportedly unaffected individuals (PMID: 32980694 (2020)). The frequency of this variant in the general population (Genome Aggregation Database) is higher than would generally be expected for pathogenic variants in this gene. Analysis of this variant using bioinformatics tools for the prediction of the effect of amino acid changes on protein structure and function yielded inconclusive findings. Based on the available information, we are unable to determine the clinical significance of this variant.

Color Diagnostics, LLC DBA Color Health
Classification: Uncertain significance for Hereditary cancer-predisposing syndrome. Last evaluated: 2024-05-29. Review status: criteria provided, single submitter. Criteria: ACMG Guidelines, 2015. Collection method: clinical testing. Allele origin: germline.
Comment: This missense variant replaces arginine with histidine at codon 230 of the APC protein. Computational prediction is inconclusive regarding the impact of this variant on protein structure and function (internally defined REVEL score threshold 0.5 < inconclusive < 0.7, PMID: 27666373). To our knowledge, functional studies have not been reported for this variant. This variant has been reported in individuals affected with colorectal, uterine, or pancreatic cancer (PMID: 28125075, 29684080, 32980694, 35189564), as well as in 37 unaffected individuals in a pancreatic case control study (PMID: 32980694). This variant has been identified in 12/282562 chromosomes in the general population by the Genome Aggregation Database (gnomAD). The available evidence is insufficient to determine the role of this variant in disease conclusively. Therefore, this variant is classified as a Variant of Uncertain Significance.

Sema4
Classification: Uncertain significance for Hereditary cancer-predisposing syndrome. Last evaluated: 2022-02-24. Review status: criteria provided, single submitter. Criteria: Sema4 Curation Guidelines. Collection method: curation. Allele origin: germline.
Comment: The APC c.689G>A (p.R230H) variant has been reported in individuals with uterine cancer and metastatic colorectal adenocarcinoma (PMID: 28125075, 29684080). It was observed in 3/25094 chromosomes of the European (Finnish) subpopulation in the large and broad cohorts of the Genome Aggregation Database (PMID: 32461654). This variant has been reported in ClinVar (Variation ID: 132732). Functional studies have not been performed, and in silico predictions of the variant's effect on protein function are inconclusive. The evidence is insufficient to meet ACMG/AMP criteria for classifying the variant as benign or pathogenic. Thus, the clinical significance of this variant is currently uncertain.

Ambry Genetics
Classification: Likely benign for Hereditary cancer-predisposing syndrome. Last evaluated: 2021-12-02. Review status: criteria provided, single submitter. Criteria: Ambry Variant Classification Scheme 2023. Collection method: clinical testing. Allele origin: germline.

Department of Pathology and Laboratory Medicine, Sinai Health System
Classification: Uncertain significance for classic or attenuated familial adenomatous polyposis. Last evaluated: 2020-09-01. Review status: criteria provided, single submitter. Criteria: ACMG Guidelines, 2015. Collection method: clinical testing. Allele origin: germline. Affected: yes.

GeneDx
Classification: Uncertain significance. Last evaluated: 2020-03-03. Review status: criteria provided, single submitter. Criteria: GeneDx Variant Classification Process June 2021. Collection method: clinical testing. Allele origin: germline. Affected: yes.
Comment: In silico analysis supports that this missense variant does not alter protein structure/function; Observed in individuals with colorectal cancer (Ghazani 2017); This variant is associated with the following publications: (PMID: 28125075)

Mendelics
Classification: Uncertain significance for Familial adenomatous polyposis 1. Last evaluated: 2019-05-28. Review status: criteria provided, single submitter. Criteria: Mendelics Assertion Criteria 2017. Collection method: clinical testing. Allele origin: unknown.

Women's Health and Genetics/Laboratory Corporation of America, LabCorp
Classification: Uncertain significance. Last evaluated: 2016-09-02. Review status: criteria provided, single submitter. Criteria: LabCorp Variant Classification Summary - May 2015. Collection method: clinical testing. Allele origin: germline.
Comment: Variant summary: The APC c.689G>A (p.Arg230His) variant involves the alteration of a conserved nucleotide. Arg230 is conserved through species and located in the Adenomatous polyposis coli protein domain (InterPro). 5/5 in silico tools predict a damaging outcome for this variant. This variant was found in 8/120512 control chromosomes at a frequency of 0.0000664, which does not exceed the estimated maximal expected allele frequency of a pathogenic APC variant (0.0000714). In addition, one clinical diagnostic laboratory classified this variant as uncertain significance. The variant of interest has not, to our knowledge, been reported in affected individuals via publications and/or reputable databases/clinical diagnostic laboratories; nor evaluated for functional impact by in vivo/vitro studies. Because of the absence of clinical information and the lack of functional studies, the variant is classified as a variant of uncertain significance (VUS) until additional information becomes available.

Literature cited by the submitters: PubMed 28125075 (cited by 6 submitters); PubMed 32980694 (cited by 3 submitters); PubMed 35189564 (cited by 3 submitters); PubMed 29684080 (cited by 4 submitters).